The following is an entry in ClinVar:

NM_001040108.2(MLH3):c.4261A>G (p.Lys1421Glu)

Gene: MLH3 (mutL homolog 3; minus strand). Cytogenetic location: 14q24.3.
Variant type: single nucleotide variant.
Coding change: c.4261A>G on transcript NM_001040108.2 (MANE Select); coding-DNA position 4261, A replaced by G.
Protein change: p.Lys1421Glu; replaces lysine 1421 with glutamic acid.
Molecular consequence: missense variant.
Genome position (GRCh38, 1-based): chr14:75,017,183, T>C on the plus strand (A>G on the coding strand, the complement: MLH3 is on the minus strand). VCF-style: chr14-75017183-T-C. GRCh37 (hg19) VCF-style: chr14-75483886-T-C.
Other names: c.4189A>G, p.Lys1397Glu (NM_014381.3); short protein forms K1397E, K1421E.
Identifiers: ClinVar variation 1739173 (VCV001739173.3), dbSNP rs777485133, ClinGen allele CA7275169.

ClinVar aggregate classification (germline): Uncertain significance (1 of 4 stars; one submission).

Allele frequency attached by ClinVar (database versions not stated): gnomAD exomes below 0.00001; TOPMed below 0.00001; ExAC 0.00001; gnomAD 0.00001.
gnomAD v4.1: 2 of 1,611,724 alleles (0.00012%); highest among the groups gnomAD compares: Admixed American, 0.0033%; no homozygotes.

Submission:

Ambry Genetics
Classification: Uncertain significance. Last evaluated: 2024-05-26. Review status: criteria provided, single submitter. Criteria: Ambry Variant Classification Scheme 2023. Collection method: clinical testing. Allele origin: germline.
Comment: The p.K1421E variant (also known as c.4261A>G), located in coding exon 12 of the MLH3 gene, results from an A to G substitution at nucleotide position 4261. The lysine at codon 1421 is replaced by glutamic acid, an amino acid with similar properties. This amino acid position is well conserved in available vertebrate species. In addition, the in silico prediction for this alteration is inconclusive. Since supporting evidence is limited at this time, the clinical significance of this alteration remains unclear.